The following is an entry in ClinVar:

ClinVar aggregate classification (germline): Conflicting classifications of pathogenicity. Review status: criteria provided, conflicting classifications (1 of 4 stars). 3 submissions from 3 submitters: Uncertain significance (2); Likely benign (1). Last evaluated 2025-09-05.

Conditions:
Developmental and epileptic encephalopathy, 42 (DEE42A). Also called: Epileptic encephalopathy, early infantile, 42; DEVELOPMENTAL AND EPILEPTIC ENCEPHALOPATHY 42A; EPILEPTIC ENCEPHALOPATHY, EARLY INFANTILE, 42A. Identifiers: MedGen C4310716, MONDO:0014917, OMIM 617106.
Episodic ataxia type 2 (EA2). Also called: ACETAZOLAMIDE-RESPONSIVE HEREDITARY PAROXYSMAL CEREBELLAR ATAXIA; ATAXIA, EPISODIC, WITH NYSTAGMUS; ATAXIA, FAMILIAL PAROXYSMAL; CEREBELLAR ATAXIA, PAROXYSMAL, ACETAZOLAMIDE-RESPONSIVE; CEREBELLOPATHY, HEREDITARY PAROXYSMAL; EPISODIC ATAXIA, NYSTAGMUS-ASSOCIATED. Identifiers: Orphanet 97, MedGen C1720416, MONDO:0007163, OMIM 108500.

Allele frequency attached by ClinVar (database versions not stated): TOPMed below 0.00001; gnomAD 0.00001; gnomAD exomes 0.00001 and 0.00002; ExAC 0.00015; 1000 Genomes Project 30x 0.00016; 1000 Genomes Project 0.00020.
gnomAD v4.1: 11 of 1,314,636 alleles (0.00084%); highest among the groups gnomAD compares: Middle Eastern, 0.023%; no homozygotes.

Submissions (3):

Labcorp Genetics (formerly Invitae), Labcorp
Classification: Likely benign for Developmental and epileptic encephalopathy, 42; Episodic ataxia type 2. Last evaluated: 2025-09-05. Review status: criteria provided, single submitter. Criteria: Invitae Variant Classification Sherloc (09022015). Collection method: clinical testing. Allele origin: germline.

CeGaT Center for Human Genetics Tuebingen
Classification: Uncertain significance. Last evaluated: 2020-02-01. Review status: criteria provided, single submitter. Criteria: CeGaT Center For Human Genetics Tuebingen Variant Classification Criteria Version 2. Collection method: clinical testing. Allele origin: germline. Affected: yes. Observed: 1 variant allele.

GeneDx
Classification: Uncertain significance. Last evaluated: 2017-10-12. Review status: criteria provided, single submitter. Criteria: GeneDx Variant Classification (06012015). Collection method: clinical testing. Allele origin: germline. Affected: yes.
Comment: A variant of uncertain significance has been identified in the CACNA1A gene. The S2117A variant has not been published as a pathogenic variant, nor has it been reported as a benign variant to our knowledge. This variant is not observed at a significant frequency in large population cohorts (Lek et al., 2016). The S2117A variant is a non-conservative amino acid substitution, which is likely toimpact secondary protein structure as these residues differ in polarity, charge, size and/or other properties. This substitution occurs at a position where amino acids with similar properties to Serine are tolerated across species. In silico analysis is inconsistent in its predictions as to whether or not the variant is damaging to the protein structure/function. Therefore, based on the currently availableinformation, it is unclear whether this variant is a pathogenic variant or a rare benign variant.

NM_001127222.2(CACNA1A):c.6346T>G (p.Ser2116Ala)

Gene: CACNA1A (calcium voltage-gated channel subunit alpha1 A; minus strand). Cytogenetic location: 19p13.13.
Variant type: single nucleotide variant.
Coding change: c.6346T>G on transcript NM_001127222.2 (MANE Select); coding-DNA position 6346, T replaced by G.
Protein change: p.Ser2116Ala; replaces serine 2116 with alanine.
Molecular consequence: missense variant.
Genome position (GRCh38, 1-based): chr19:13,209,492, A>C on the plus strand (T>G on the coding strand, the complement: CACNA1A is on the minus strand). VCF-style: chr19-13209492-A-C. GRCh37 (hg19) VCF-style: chr19-13320306-A-C.
Other names: c.6364T>G, p.Ser2122Ala (NM_000068.4, NM_023035.3); c.6349T>G, p.Ser2117Ala (NM_001127221.2); c.6355T>G, p.Ser2119Ala (NM_001174080.2); short protein forms S2117A, S2116A, S2119A, S2122A.
Identifiers: ClinVar variation 452673 (VCV000452673.50), dbSNP rs576057388, ClinGen allele CA9239372.